The following is an entry in ClinVar:

ClinVar aggregate classification (germline): Benign/Likely benign. Review status: criteria provided, multiple submitters, no conflicts (2 of 4 stars). 2 submissions from 2 submitters: Benign (1); Likely benign (1). Last evaluated 2026-01-01.

Allele frequency attached by ClinVar (database versions not stated): 1000 Genomes Project 30x 0.00187; 1000 Genomes Project 0.00200; TOPMed 0.00538; gnomAD 0.00609 and 0.00636; gnomAD exomes 0.00619 and 0.00833; ExAC 0.00655; ESP Exome Variant Server 0.00730.
gnomAD v4.1: 12,998 of 1,613,440 alleles (0.81%); highest among the groups gnomAD compares: Non-Finnish European, 0.98%; 66 homozygotes.

Submissions (2):

CeGaT Center for Human Genetics Tuebingen
Classification: Likely benign. Last evaluated: 2026-01-01. Review status: criteria provided, single submitter. Criteria: CeGaT Center For Human Genetics Tuebingen Variant Classification Criteria Version 2. Collection method: clinical testing. Allele origin: germline. Affected: yes. Observed: 7 variant alleles.
Comment: KIAA0319L: BP4, BS2

Labcorp Genetics (formerly Invitae), Labcorp
Classification: Benign. Last evaluated: 2018-08-08. Review status: criteria provided, single submitter. Criteria: Invitae Variant Classification Sherloc (09022015). Collection method: clinical testing. Allele origin: germline.

NM_024874.5(KIAA0319L):c.871A>G (p.Thr291Ala)

Gene: KIAA0319L (KIAA0319 like; minus strand). Cytogenetic location: 1p34.3.
Variant type: single nucleotide variant.
Coding change: c.871A>G on transcript NM_024874.5 (MANE Select); coding-DNA position 871, A replaced by G.
Protein change: p.Thr291Ala; replaces threonine 291 with alanine.
Molecular consequence: missense variant.
Genome position (GRCh38, 1-based): chr1:35,479,008, T>C on the plus strand (A>G on the coding strand, the complement: KIAA0319L is on the minus strand). VCF-style: chr1-35479008-T-C. GRCh37 (hg19) VCF-style: chr1-35944609-T-C.
Other names: short protein forms T291A.
Identifiers: ClinVar variation 782936 (VCV000782936.27), dbSNP rs34372241, ClinGen allele CA759799.